The following is an entry in ClinVar:

ClinVar aggregate classification (germline): Likely benign (1 of 4 stars; one submission).

Allele frequency attached by ClinVar (database versions not stated): gnomAD 0.01987 and 0.02128; TOPMed 0.02336; 1000 Genomes Project 30x 0.04029; 1000 Genomes Project 0.04193.
gnomAD v4.1: 3,318 of 152,266 alleles (2.2%); highest among the groups gnomAD compares: East Asian, 8.3%; 67 homozygotes.

Submission:

GeneDx
Classification: Likely benign. Last evaluated: 2018-06-19. Review status: criteria provided, single submitter. Criteria: GeneDx Variant Classification (06012015). Collection method: clinical testing. Allele origin: germline. Affected: yes.
Comment: This variant is considered likely benign or benign based on one or more of the following criteria: it is a conservative change, it occurs at a poorly conserved position in the protein, it is predicted to be benign by multiple in silico algorithms, and/or has population frequency not consistent with disease.

NM_000138.5(FBN1):c.6038-173G>A

Gene: FBN1 (fibrillin 1; minus strand). Cytogenetic location: 15q21.1.
Variant type: single nucleotide variant.
Coding change: c.6038-173G>A on transcript NM_000138.5 (MANE Select); 173 bases into the intron before coding-DNA position 6038, G replaced by A.
Molecular consequence: intron variant.
Genome position (GRCh38, 1-based): chr15:48,442,019, C>T on the plus strand (G>A on the coding strand, the complement: FBN1 is on the minus strand). VCF-style: chr15-48442019-C-T. GRCh37 (hg19) VCF-style: chr15-48734216-C-T.
Identifiers: ClinVar variation 674511 (VCV000674511.1), dbSNP rs2278186, ClinGen allele CA15849939.
Genomic context (GRCh38, chr15:48,442,019, plus strand): 5'-AATAAAGGTATTTTTCTGTACCATAACACTGTGGACTGGACTTCTAGGTTGTCATGACTT[C>T]AAAAGAATTAGTTTTGACAGTTATTGATATAAAAATGGAATGTGCAACTGCCTTCTAAGG-3'